The following is an entry in ClinVar:

NM_022437.3(ABCG8):c.861G>A (p.Thr287=)

Gene: ABCG8 (ATP binding cassette subfamily G member 8; plus strand). Cytogenetic location: 2p21.
Variant type: single nucleotide variant.
Coding change: c.861G>A on transcript NM_022437.3 (MANE Select); coding-DNA position 861, G replaced by A.
Protein change: p.Thr287=; no amino-acid change (threonine 287 retained).
Molecular consequence: synonymous variant.
Genome position (GRCh38, 1-based): chr2:43,852,765, G>A. VCF-style: chr2-43852765-G-A. GRCh37 (hg19) VCF-style: chr2-44079904-G-A.
Other names: c.861G>A, p.Thr287= (NM_001357321.2).
Identifiers: ClinVar variation 2497634 (VCV002497634.3), dbSNP rs147540823, ClinGen allele CA1637183.

ClinVar aggregate classification (germline): Likely benign. Review status: criteria provided, single submitter (1 of 4 stars). 2 submissions from 2 submitters: Likely benign (1). 1 of the submissions does not count toward it. Last evaluated 2023-02-28.

Conditions:
Cardiovascular phenotype. Identifiers: MedGen CN230736.
ABCG8-related disorder. Also called: ABCG8-related condition.

Allele frequency attached by ClinVar (database versions not stated): 1000 Genomes Project 30x 0.00016; 1000 Genomes Project 0.00020; ESP Exome Variant Server 0.00023.
gnomAD v4.1: 50 of 1,614,134 alleles (0.0031%); highest among the groups gnomAD compares: African/African-American, 0.023%; no homozygotes.

Submissions (2):

Ambry Genetics
Classification: Likely benign for Cardiovascular phenotype. Last evaluated: 2023-02-28. Review status: criteria provided, single submitter. Criteria: Ambry Variant Classification Scheme 2023. Collection method: clinical testing. Allele origin: germline.

PreventionGenetics, part of Exact Sciences
Classification: Likely benign for ABCG8-related condition. Last evaluated: 2024-09-16. Review status: no assertion criteria provided. Collection method: clinical testing. Allele origin: germline. Not counted in ClinVar's aggregate classification.
Comment: This variant is classified as likely benign based on ACMG/AMP sequence variant interpretation guidelines (Richards et al. 2015 PMID: 25741868, with internal and published modifications).